The following is an entry in ClinVar:

NM_001281740.3:c.(1286+1_1287-1)_(4869_?)dup

Gene: FHOD3 (formin homology 2 domain containing 3; plus strand).
Variant type: Duplication.
Other names: c.(1286+1_1287-1)_(4869_?)dup (NM_001281740.3).
Identifiers: ClinVar variation 3895411 (VCV003895411.1).

ClinVar aggregate classification (germline): Uncertain significance (1 of 4 stars; one submission).

Conditions:
Cardiovascular phenotype. Identifiers: MedGen CN230736.

Submission:

Molecular Diagnostic Laboratory for Inherited Cardiovascular Disease, Montreal Heart Institute
Classification: Uncertain significance for Cardiovascular phenotype. Last evaluated: 2025-04-09. Review status: criteria provided, single submitter. Criteria: ACMG Guidelines, 2015. Collection method: clinical testing. Allele origin: germline. Affected: yes.
Comment: PVS1_mod, PM2